The following is an entry in ClinVar:

ClinVar aggregate classification (germline): Likely pathogenic (1 of 4 stars; one submission).

Conditions:
Glycogen storage disease, type II (IOPD). Also called: Pompe Disease; CARDIOMEGALIA GLYCOGENICA DIFFUSA; GLYCOGENOSIS, GENERALIZED, CARDIAC FORM; GSD II; POMPE DISEASE, INFANTILE-ONSET; GLYCOGEN STORAGE DISEASE II, INFANTILE-ONSET. Identifiers: Orphanet 365, MedGen C0017921, MONDO:0009290, OMIM 232300.

Submission:

Genomenon, Inc
Classification: Likely pathogenic for Glycogen storage disease, type II. Last evaluated: 2026-07-01. Review status: criteria provided, single submitter. Criteria: Genomenon Sequence Variant Interpretation Standards - Updated. Collection method: curation. Allele origin: germline. Affected: no.
Comment: GAA p.Thr593AspfsTer43 (c.1776dup) is a frameshift variant that is predicted to introduce a premature termination codon and result in a truncated or absent protein product. This variant has been reported in the published literature (PMID:37305718). It is absent or not present at a significant frequency in gnomAD. In conclusion, we classify GAA p.Thr593AspfsTer43 (c.1776dup) as a likely pathogenic variant.

Literature cited by the submitters: PubMed 37305718.

NM_000152.5(GAA):c.1776dup (p.Thr593fs)

Gene: GAA (alpha glucosidase; plus strand). Cytogenetic location: 17q25.3.
Variant type: Duplication.
Coding change: c.1776dup on transcript NM_000152.5 (MANE Select); coding-DNA position 1776, one base duplicated (G; older notation c.1776dupG).
Protein change: p.Thr593fs; shifts the reading frame from threonine 593.
Molecular consequence: frameshift variant.
Genome position (GRCh38, 1-based): chr17:80,112,599, G duplicated; the last of 5 consecutive G bases (chr17:80,112,595-80,112,599); duplicating any one gives the same sequence. VCF-style (leftmost placement, unchanged base first): chr17-80112594-C-CG. GRCh37 (hg19) VCF-style: chr17-78086393-C-CG.
Other names: c.1776dup, p.Thr593fs (NM_001079803.3, NM_001079804.3, NM_001406741.1 and 1 more transcripts); short protein forms T593fs.
Identifiers: ClinVar variation 4876279 (VCV004876279.1).